The following is an entry in ClinVar:

ClinVar aggregate classification (germline): Uncertain significance (1 of 4 stars; one submission).

Allele frequency attached by ClinVar (database versions not stated): gnomAD exomes below 0.00001; TOPMed below 0.00001.
gnomAD v4.1: 1 of 1,613,554 alleles (0.000062%); highest among the groups gnomAD compares: Non-Finnish European, 0.000085%; no homozygotes.

Submission:

Labcorp Genetics (formerly Invitae), Labcorp
Classification: Uncertain significance. Last evaluated: 2022-02-24. Review status: criteria provided, single submitter. Criteria: Invitae Variant Classification Sherloc (09022015). Collection method: clinical testing. Allele origin: germline.
Comment: This variant has not been reported in the literature in individuals affected with SHPK-related conditions. Algorithms developed to predict the effect of missense changes on protein structure and function (SIFT, PolyPhen-2, Align-GVGD) all suggest that this variant is likely to be disruptive. In summary, the available evidence is currently insufficient to determine the role of this variant in disease. Therefore, it has been classified as a Variant of Uncertain Significance. This variant is not present in population databases (gnomAD no frequency). This sequence change replaces leucine, which is neutral and non-polar, with proline, which is neutral and non-polar, at codon 217 of the SHPK protein (p.Leu217Pro).

NM_013276.4(SHPK):c.650T>C (p.Leu217Pro)

Gene: SHPK (sedoheptulokinase; minus strand). Cytogenetic location: 17p13.2.
Variant type: single nucleotide variant.
Coding change: c.650T>C on transcript NM_013276.4 (MANE Select); coding-DNA position 650, T replaced by C.
Protein change: p.Leu217Pro; replaces leucine 217 with proline.
Molecular consequence: missense variant.
Genome position (GRCh38, 1-based): chr17:3,621,410, A>G on the plus strand (T>C on the coding strand, the complement: SHPK is on the minus strand). VCF-style: chr17-3621410-A-G. GRCh37 (hg19) VCF-style: chr17-3524704-A-G.
Other names: short protein forms L217P.
Identifiers: ClinVar variation 1952397 (VCV001952397.5), dbSNP rs2075400550, ClinGen allele CA397700613.
Genomic context (GRCh38, chr17:3,621,410, plus strand): 5'-GCCACACTGCCAGGCTCGGCGATGTCTGGGAGCAGGTGGACAGGAAAACCCGAGCTCCTC[A>G]GTCTGTAAAACAGAAGTGGACACCCACATGGACCCACAGTTAGGTTTCGGGAATTTAAGG-3'
Protein context (NP_037408.2, residues 207-227): TQSQSWNVET[Leu217Pro]RSSGFPVHLL